The following is an entry in ClinVar:

NM_001367624.2(ZNF469):c.6800G>A (p.Arg2267Gln)

Gene: ZNF469 (zinc finger protein 469; plus strand). Cytogenetic location: 16q24.2.
Variant type: single nucleotide variant.
Coding change: c.6800G>A on transcript NM_001367624.2 (MANE Select); coding-DNA position 6800, G replaced by A.
Protein change: p.Arg2267Gln; replaces arginine 2267 with glutamine.
Molecular consequence: missense variant.
Genome position (GRCh38, 1-based): chr16:88,434,270, G>A. VCF-style: chr16-88434270-G-A. GRCh37 (hg19) VCF-style: chr16-88500678-G-A.
Other names: NM_001127464.1:c.6716G>A; p.Arg2267Gln; short protein forms R2267Q.
Identifiers: ClinVar variation 512512 (VCV000512512.18), dbSNP rs181887079, ClinGen allele CA8225182.

ClinVar aggregate classification (germline): Benign/Likely benign. Review status: criteria provided, multiple submitters, no conflicts (2 of 4 stars). 6 submissions from 6 submitters: Benign (3); Likely benign (3). Last evaluated 2026-02-02.

Conditions:
Brittle cornea syndrome 1 (BCS1). Also called: CORNEAL FRAGILITY, KERATOGLOBUS, BLUE SCLERAE, JOINT HYPEREXTENSIBILITY; EDS6B; FRAGILITAS OCULI WITH JOINT HYPEREXTENSIBILITY; Corneal fragility keratoglobus, blue sclerae AND joint hypermobility; DYSGENESIS MESODERMALIS CORNEAE ET SCLERAE. Identifiers: Orphanet 90354, MedGen C0268344, MONDO:0024543, OMIM 229200.
Cardiovascular phenotype. Identifiers: MedGen CN230736.

Allele frequency attached by ClinVar (database versions not stated): ExAC 0.00119; gnomAD 0.00218 and 0.00232; 1000 Genomes Project 30x 0.00219; 1000 Genomes Project 0.00220; TOPMed 0.00228; gnomAD exomes 0.00057.
gnomAD v4.1: 739 of 1,550,338 alleles (0.048%); highest among the groups gnomAD compares: African/African-American, 0.73%; 3 homozygotes.

Submissions (6):

Labcorp Genetics (formerly Invitae), Labcorp
Classification: Benign. Last evaluated: 2026-02-02. Review status: criteria provided, single submitter. Criteria: Invitae Variant Classification Sherloc (09022015). Collection method: clinical testing. Allele origin: germline.

Women's Health and Genetics/Laboratory Corporation of America, LabCorp
Classification: Likely benign. Last evaluated: 2025-06-30. Review status: criteria provided, single submitter. Criteria: LabCorp Variant Classification Summary - May 2015. Collection method: clinical testing. Allele origin: germline.
Comment: Variant summary: ZNF469 c.6800G>A (p.Arg2267Gln) results in a conservative amino acid change in the encoded protein sequence. Algorithms developed to predict the effect of missense changes on protein structure and function are either unavailable or do not agree on the potential impact of this missense change. The variant allele was found at a frequency of 0.00048 in 1550338 control chromosomes, predominantly at a frequency of 0.0073 within the African or African-American subpopulation in the gnomAD database, including 3 homozygotes. The observed variant frequency within African or African-American control individuals in the gnomAD database exceeds the estimated maximal expected allele frequency for a pathogenic variant in ZNF469 causing Brittle cornea syndrome 1 phenotype, providing supporting evidence for a benign role. To our knowledge, no occurrence of c.6800G>A in individuals affected with Brittle cornea syndrome 1 and no experimental evidence demonstrating its impact on protein function have been reported. ClinVar contains an entry for this variant (Variation ID: 512512). Based on the evidence outlined above, the variant was classified as likely benign.

Mayo Clinic Laboratories, Mayo Clinic
Classification: Benign. Last evaluated: 2025-02-21. Review status: criteria provided, single submitter. Criteria: ACMG Guidelines, 2015. Collection method: clinical testing. Allele origin: germline. Observed: 2 variant alleles.
Comment: BS1, BP4_strong

Ambry Genetics
Classification: Likely benign for Cardiovascular phenotype. Last evaluated: 2024-02-13. Review status: criteria provided, single submitter. Criteria: Ambry Variant Classification Scheme 2023. Collection method: clinical testing. Allele origin: germline.

GeneDx
Classification: Likely benign. Last evaluated: 2022-01-21. Review status: criteria provided, single submitter. Criteria: GeneDx Variant Classification Process June 2021. Collection method: clinical testing. Allele origin: germline. Affected: yes.

Genome-Nilou Lab
Classification: Benign for Brittle cornea syndrome 1. Last evaluated: 2021-12-05. Review status: criteria provided, single submitter. Criteria: ACMG Guidelines, 2015. Collection method: clinical testing. Allele origin: germline. Affected: no.